The following is an entry in ClinVar:

NM_000214.3(JAG1):c.377_378delinsAA (p.Phe126Ter)

Gene: JAG1 (jagged canonical Notch ligand 1; minus strand). Cytogenetic location: 20p12.2.
Variant type: Indel.
Coding change: c.377_378delinsAA on transcript NM_000214.3 (MANE Select); coding-DNA positions 377 to 378, TC replaced by AA.
Protein change: p.Phe126Ter; replaces phenylalanine 126 with a stop codon.
Molecular consequence: nonsense.
Genome position (GRCh38, 1-based): chr20:10,672,710-10,672,711, GA replaced by TT on the plus strand (TC replaced by AA on the coding strand, the reverse complement: JAG1 is on the minus strand). VCF-style: chr20-10672710-GA-TT. GRCh37 (hg19) VCF-style: chr20-10653358-GA-TT.
Other names: c.377_378delinsAA, p.Phe126Ter (LRG_1191t1); short protein forms F126*.
Identifiers: ClinVar variation 265677 (VCV000265677.3), dbSNP rs886039724, ClinGen allele CA10588695.

ClinVar aggregate classification (germline): Pathogenic. Review status: criteria provided, multiple submitters, no conflicts (2 of 4 stars). 2 submissions from 2 submitters: Pathogenic (2). Last evaluated 2023-04-20.

Conditions:
Alagille syndrome due to a JAG1 point mutation. Also called: JAG1-Related Alagille Syndrome; HEPATIC DUCTULAR HYPOPLASIA, SYNDROMATIC; Alagille Syndrome 1. Identifiers: Orphanet 261619, Orphanet 52, MedGen C1956125, MONDO:0016862, OMIM 118450.

Submissions (2):

Duke University Health System Sequencing Clinic, Duke University Health System
Classification: Pathogenic for Alagille syndrome due to a JAG1 point mutation. Last evaluated: 2023-04-20. Review status: criteria provided, single submitter. Criteria: ACMG Guidelines, 2015. Collection method: research. Allele origin: de novo. Affected: yes.

GeneDx
Classification: Pathogenic. Last evaluated: 2016-08-16. Review status: criteria provided, single submitter. Criteria: GeneDx Variant Classification (06012015). Collection method: clinical testing. Allele origin: germline. Affected: yes.
Comment: The c.377_378delTCinsAA variant in the JAG1 gene results in a nonsense change, F126X, and is predicted to cause loss of normal protein function either through protein truncation or nonsense-mediated mRNA decay. The variant was not observed in approximately 6,500 individuals of European and African American ancestry in the NHLBI Exome Sequencing Project, indicating it is not a common benign variant in these populations.